The following is an entry in ClinVar:

ClinVar aggregate classification (germline): Benign/Likely benign. Review status: criteria provided, multiple submitters, no conflicts (2 of 4 stars). 5 submissions from 5 submitters: Benign (1); Likely benign (4). Last evaluated 2025-12-08.

Conditions:
Haddad syndrome (OHD). Also called: Ondine-Hirschsprung disease. Identifiers: Orphanet 99803, MedGen C1859049, MONDO:0020493.
Hereditary cancer-predisposing syndrome. Also called: Tumor predisposition; Hereditary Cancer Syndrome; Neoplastic Syndromes, Hereditary; Hereditary neoplastic syndrome. Identifiers: Orphanet 140162, MedGen C0027672, MeSH D009386, MONDO:0015356.

Submissions (5):

Labcorp Genetics (formerly Invitae), Labcorp
Classification: Benign for Haddad syndrome. Last evaluated: 2025-12-08. Review status: criteria provided, single submitter. Criteria: Invitae Variant Classification Sherloc (09022015). Collection method: clinical testing. Allele origin: germline.

Blueprint Genetics
Classification: Likely benign. Last evaluated: 2024-08-14. Review status: criteria provided, single submitter. Criteria: ACMG Guidelines, 2015. Collection method: clinical testing. Allele origin: germline.

CeGaT Center for Human Genetics Tuebingen
Classification: Likely benign. Last evaluated: 2024-02-01. Review status: criteria provided, single submitter. Criteria: CeGaT Center For Human Genetics Tuebingen Variant Classification Criteria Version 2. Collection method: clinical testing. Allele origin: germline. Affected: yes. Observed: 3 variant alleles.
Comment: PHOX2B: BS1

GeneDx
Classification: Likely benign. Last evaluated: 2021-06-09. Review status: criteria provided, single submitter. Criteria: GeneDx Variant Classification Process June 2021. Collection method: clinical testing. Allele origin: germline. Affected: yes.
Comment: This variant is associated with the following publications: (PMID: 27535533)

Sema4
Classification: Likely benign for Hereditary cancer-predisposing syndrome. Last evaluated: 2021-03-10. Review status: criteria provided, single submitter. Criteria: Sema4 Curation Guidelines. Collection method: curation. Allele origin: germline.

NM_003924.4(PHOX2B):c.741_761del (p.Ala254_Ala260del)

Genes: PHOX2B (paired like homeobox 2B; minus strand), LOC110011216 (paired like homeobox 2b polyalanine repeat instability region; plus strand). Cytogenetic location: 4p13.
Variant type: Deletion.
Coding change: c.741_761del on transcript NM_003924.4 (MANE Select); coding-DNA positions 741 to 761, 21 bases deleted (CGCGGCAGCGGCGGCGGCGGC).
Protein change: p.Ala254_Ala260del.
Molecular consequence: inframe deletion.
Genome position (GRCh38, 1-based): chr4:41,745,991-41,746,011, GCCGCCGCCGCCGCTGCCGCG deleted on the plus strand (CGCGGCAGCGGCGGCGGCGGC on the coding strand, the reverse complement: PHOX2B is on the minus strand); deleting any 21 consecutive bases within chr4:41,745,991-41,746,022 gives the same sequence; the c. name uses the placement nearest the transcript's 3' end. VCF-style (leftmost placement, unchanged base first): chr4-41745990-TGCCGCCGCCGCCGCTGCCGCG-T. GRCh37 (hg19) VCF-style: chr4-41748007-TGCCGCCGCCGCCGCTGCCGCG-T.
Other names: c.741_761delCGCGGCAGCGGCGGCGGCGGC (NM_003924.3).
Identifiers: ClinVar variation 239591 (VCV000239591.41), dbSNP rs749694204, ClinGen allele CA2901438.